The following is an entry in ClinVar:

ClinVar aggregate classification (germline): Uncertain significance (1 of 4 stars; one submission).

Conditions:
Familial thoracic aortic aneurysm and aortic dissection (TAAD). Also called: Thoracic aortic aneurysms and dissections. Identifiers: Orphanet 91387, MedGen C4707243, MONDO:0019625.

Submission:

Color Diagnostics, LLC DBA Color Health
Classification: Uncertain significance for Familial thoracic aortic aneurysm and aortic dissection. Last evaluated: 2025-05-30. Review status: criteria provided, single submitter. Criteria: ACMG Guidelines, 2015. Collection method: clinical testing. Allele origin: germline.
Comment: This missense variant replaces aspartic acid with alanine at codon 2737 of the FBN1 protein. Computational prediction suggests that this variant may not impact protein structure and function. To our knowledge, functional studies have not been reported for this variant. This variant has not been reported in individuals affected with FBN1-related disorders in the literature. This variant has not been identified in the general population by the Genome Aggregation Database (gnomAD). The available evidence is insufficient to determine the role of this variant in disease conclusively. Therefore, this variant is classified as a Variant of Uncertain Significance.

NM_000138.5(FBN1):c.8210A>C (p.Asp2737Ala)

Gene: FBN1 (fibrillin 1; minus strand). Cytogenetic location: 15q21.1.
Variant type: single nucleotide variant.
Coding change: c.8210A>C on transcript NM_000138.5 (MANE Select); coding-DNA position 8210, A replaced by C.
Protein change: p.Asp2737Ala; replaces aspartic acid 2737 with alanine.
Molecular consequence: missense variant.
Genome position (GRCh38, 1-based): chr15:48,412,585, T>G on the plus strand (A>C on the coding strand, the complement: FBN1 is on the minus strand). VCF-style: chr15-48412585-T-G. GRCh37 (hg19) VCF-style: chr15-48704782-T-G.
Other names: c.8210A>C, p.Asp2737Ala (NM_001406716.1); short protein forms D2737A.
Identifiers: ClinVar variation 4758751 (VCV004758751.1).